The following is an entry in ClinVar:

ClinVar aggregate classification (germline): Likely benign (0 of 4 stars; one submission).

Conditions:
TSC2-related disorder. Also called: TSC2-related condition; TSC2-Related Disorders.

Submission:

PreventionGenetics, part of Exact Sciences
Classification: Likely benign for TSC2-related condition. Last evaluated: 2024-04-29. Review status: no assertion criteria provided. Collection method: clinical testing. Allele origin: germline.
Comment: This variant is classified as likely benign based on ACMG/AMP sequence variant interpretation guidelines (Richards et al. 2015 PMID: 25741868, with internal and published modifications).

NM_000548.5(TSC2):c.-10C>T

Gene: TSC2 (TSC complex subunit 2; plus strand). Cytogenetic location: 16p13.3.
Variant type: single nucleotide variant.
Coding change: c.-10C>T on transcript NM_000548.5 (MANE Select); 10 bases upstream of the start codon, C replaced by T.
Molecular consequence: 5 prime UTR variant. On other transcripts: synonymous variant (1), non-coding transcript variant (5), intron variant (6).
Genome position (GRCh38, 1-based): chr16:2,048,606, C>T. VCF-style: chr16-2048606-C-T. GRCh37 (hg19) VCF-style: chr16-2098607-C-T.
Other names: c.-10C>T (NM_001077183.3, NM_001114382.3, NM_001318827.2 and 13 more transcripts); c.-236C>T (NM_001318831.2, NM_001406682.1, NM_001406684.1 and 2 more transcripts); c.24C>T, p.Ser8= (NM_001318832.2); c.-826C>T (NM_001406680.1, NM_001406683.1, NM_001406687.1); c.-455C>T (NM_001406681.1); c.-1441C>T (NM_001406689.1, NM_001406690.1, NM_001406691.1 and 2 more transcripts); c.-1747C>T (NM_001406693.1); c.-1322C>T (NM_001406694.1, NM_001406695.1); and 4 more.
Identifiers: ClinVar variation 3347819 (VCV003347819.1).